The following is an entry in ClinVar:

ClinVar aggregate classification (germline): Uncertain significance. Review status: criteria provided, multiple submitters, no conflicts (2 of 4 stars). 2 submissions from 2 submitters: Uncertain significance (2). Last evaluated 2023-02-22.

Allele frequency attached by ClinVar (database versions not stated): gnomAD 0.00001; TOPMed 0.00001.
gnomAD v4.1: 4 of 1,612,648 alleles (0.00025%); highest among the groups gnomAD compares: African/African-American, 0.0053%; no homozygotes.

Submissions (2):

Labcorp Genetics (formerly Invitae), Labcorp
Classification: Uncertain significance. Last evaluated: 2023-02-22. Review status: criteria provided, single submitter. Criteria: Invitae Variant Classification Sherloc (09022015). Collection method: clinical testing. Allele origin: germline.
Comment: In summary, the available evidence is currently insufficient to determine the role of this variant in disease. Therefore, it has been classified as a Variant of Uncertain Significance. Advanced modeling of protein sequence and biophysical properties (such as structural, functional, and spatial information, amino acid conservation, physicochemical variation, residue mobility, and thermodynamic stability) performed at Invitae indicates that this missense variant is not expected to disrupt RECQL protein function. ClinVar contains an entry for this variant (Variation ID: 1757588). This variant has not been reported in the literature in individuals affected with RECQL-related conditions. This variant is present in population databases (rs749586645, gnomAD 0.02%). This sequence change replaces aspartic acid, which is acidic and polar, with glutamic acid, which is acidic and polar, at codon 413 of the RECQL protein (p.Asp413Glu).

Ambry Genetics
Classification: Uncertain significance. Last evaluated: 2021-08-24. Review status: criteria provided, single submitter. Criteria: Ambry Variant Classification Scheme 2023. Collection method: clinical testing. Allele origin: germline.
Comment: The p.D413E variant (also known as c.1239C>A), located in coding exon 10 of the RECQL gene, results from a C to A substitution at nucleotide position 1239. The aspartic acid at codon 413 is replaced by glutamic acid, an amino acid with highly similar properties. This amino acid position is conserved. In addition, the in silico prediction for this alteration is inconclusive. Since supporting evidence is limited at this time, the clinical significance of this alteration remains unclear.

NM_002907.4(RECQL):c.1239C>A (p.Asp413Glu)

Gene: RECQL (RecQ like helicase; minus strand). Cytogenetic location: 12p12.1.
Variant type: single nucleotide variant.
Coding change: c.1239C>A on transcript NM_002907.4 (MANE Select); coding-DNA position 1239, C replaced by A.
Protein change: p.Asp413Glu; replaces aspartic acid 413 with glutamic acid.
Molecular consequence: missense variant.
Genome position (GRCh38, 1-based): chr12:21,474,957, G>T on the plus strand (C>A on the coding strand, the complement: RECQL is on the minus strand). VCF-style: chr12-21474957-G-T. GRCh37 (hg19) VCF-style: chr12-21627891-G-T.
Other names: c.1239C>A, p.Asp413Glu (NM_032941.3); short protein forms D413E.
Identifiers: ClinVar variation 1757588 (VCV001757588.5), dbSNP rs749586645, ClinGen allele CA6478809.